The following is an entry in ClinVar:

ClinVar aggregate classification (germline): Uncertain significance (1 of 4 stars; one submission).

Conditions:
Zellweger spectrum disorders (ZS). Also called: Zellweger Spectrum Disorder; Zellweger Spectrum; Zellweger Spectrum Disorder (ZSD); Zellweger syndrome. Identifiers: Orphanet 912, MedGen C0043459, MONDO:0019609.

Submission:

Labcorp Genetics (formerly Invitae), Labcorp
Classification: Uncertain significance for Zellweger spectrum disorders. Last evaluated: 2022-06-03. Review status: criteria provided, single submitter. Criteria: Invitae Variant Classification Sherloc (09022015). Collection method: clinical testing. Allele origin: germline.
Comment: This sequence change replaces glycine, which is neutral and non-polar, with arginine, which is basic and polar, at codon 1212 of the PEX1 protein (p.Gly1212Arg). This variant is not present in population databases (gnomAD no frequency). This variant has not been reported in the literature in individuals affected with PEX1-related conditions. Algorithms developed to predict the effect of missense changes on protein structure and function are either unavailable or do not agree on the potential impact of this missense change (SIFT: "Deleterious"; PolyPhen-2: "Benign"; Align-GVGD: "Class C0"). Algorithms developed to predict the effect of sequence changes on RNA splicing suggest that this variant may create or strengthen a splice site. In summary, the available evidence is currently insufficient to determine the role of this variant in disease. Therefore, it has been classified as a Variant of Uncertain Significance.

NM_000466.3(PEX1):c.3634G>C (p.Gly1212Arg)

Genes: PEX1 (peroxisomal biogenesis factor 1; minus strand), GATAD1 (GATA zinc finger domain containing 1; plus strand). Cytogenetic location: 7q21.2.
Variant type: single nucleotide variant.
Coding change: c.3634G>C on transcript NM_000466.3 (MANE Select); coding-DNA position 3634, G replaced by C.
Protein change: p.Gly1212Arg; replaces glycine 1212 with arginine.
Molecular consequence: missense variant.
Genome position (GRCh38, 1-based): chr7:92,489,716, C>G on the plus strand (G>C on the coding strand, the complement: PEX1 is on the minus strand). VCF-style: chr7-92489716-C-G. GRCh37 (hg19) VCF-style: chr7-92119030-C-G.
Other names: c.3463G>C, p.Gly1155Arg (NM_001282677.2); c.3010G>C, p.Gly1004Arg (NM_001282678.2); short protein forms G1212R, G1004R, G1155R.
Identifiers: ClinVar variation 1970878 (VCV001970878.5), dbSNP rs2484612379, ClinGen allele CA368160643.